The following is an entry in ClinVar:

NM_004260.4(RECQL4):c.1766G>A (p.Gly589Asp)

Gene: RECQL4 (RecQ like helicase 4; minus strand). Cytogenetic location: 8q24.3.
Variant type: single nucleotide variant.
Coding change: c.1766G>A on transcript NM_004260.4 (MANE Select); coding-DNA position 1766, G replaced by A.
Protein change: p.Gly589Asp; replaces glycine 589 with aspartic acid.
Molecular consequence: missense variant.
Genome position (GRCh38, 1-based): chr8:144,514,301, C>T on the plus strand (G>A on the coding strand, the complement: RECQL4 is on the minus strand). VCF-style: chr8-144514301-C-T. GRCh37 (hg19) VCF-style: chr8-145739685-C-T.
Other names: c.1766G>A (NM_004260.3); short protein forms G589D.
Identifiers: ClinVar variation 1449280 (VCV001449280.7), dbSNP rs1586810698, ClinGen allele CA372681021.

ClinVar aggregate classification (germline): Uncertain significance. Review status: criteria provided, multiple submitters, no conflicts (2 of 4 stars). 2 submissions from 2 submitters: Uncertain significance (2). Last evaluated 2025-05-09.

Conditions:
Baller-Gerold syndrome (BGS). Also called: CRANIOSYNOSTOSIS WITH RADIAL DEFECTS. Identifiers: Orphanet 1225, MedGen C0265308, MONDO:0009039, OMIM 218600.
Inborn genetic diseases. Identifiers: MedGen C0950123, MeSH D030342.

Submissions (2):

Ambry Genetics
Classification: Uncertain significance for Inborn genetic diseases. Last evaluated: 2025-05-09. Review status: criteria provided, single submitter. Criteria: Ambry Variant Classification Scheme 2023. Collection method: clinical testing. Allele origin: germline.
Comment: The p.G589D variant (also known as c.1766G>A), located in coding exon 11 of the RECQL4 gene, results from a G to A substitution at nucleotide position 1766. The glycine at codon 589 is replaced by aspartic acid, an amino acid with similar properties. This amino acid position is conserved. In addition, this alteration is predicted to be tolerated by in silico analysis. Based on the available evidence, the clinical significance of this variant remains unclear.

Labcorp Genetics (formerly Invitae), Labcorp
Classification: Uncertain significance for Baller-Gerold syndrome. Last evaluated: 2025-02-04. Review status: criteria provided, single submitter. Criteria: Invitae Variant Classification Sherloc (09022015). Collection method: clinical testing. Allele origin: germline.
Comment: This sequence change replaces glycine, which is neutral and non-polar, with aspartic acid, which is acidic and polar, at codon 589 of the RECQL4 protein (p.Gly589Asp). This variant is not present in population databases (gnomAD no frequency). This variant has not been reported in the literature in individuals affected with RECQL4-related conditions. ClinVar contains an entry for this variant (Variation ID: 1449280). Invitae Evidence Modeling of protein sequence and biophysical properties (such as structural, functional, and spatial information, amino acid conservation, physicochemical variation, residue mobility, and thermodynamic stability) indicates that this missense variant is not expected to disrupt RECQL4 protein function with a negative predictive value of 80%. In summary, the available evidence is currently insufficient to determine the role of this variant in disease. Therefore, it has been classified as a Variant of Uncertain Significance.